The following is an entry in ClinVar:

ClinVar aggregate classification (germline): Uncertain significance (1 of 4 stars; one submission).

Allele frequency attached by ClinVar (database versions not stated): TOPMed below 0.00001; ExAC 0.00001; gnomAD exomes 0.00001.
gnomAD v4.1: 9 of 1,206,464 alleles (0.00075%); highest among the groups gnomAD compares: South Asian, 0.0071%; no homozygotes.

Submission:

Labcorp Genetics (formerly Invitae), Labcorp
Classification: Uncertain significance. Last evaluated: 2022-07-26. Review status: criteria provided, single submitter. Criteria: Invitae Variant Classification Sherloc (09022015). Collection method: clinical testing. Allele origin: germline.
Comment: This sequence change replaces proline, which is neutral and non-polar, with leucine, which is neutral and non-polar, at codon 1767 of the CACNA1F protein (p.Pro1767Leu). In summary, the available evidence is currently insufficient to determine the role of this variant in disease. Therefore, it has been classified as a Variant of Uncertain Significance. Algorithms developed to predict the effect of missense changes on protein structure and function output the following: SIFT: "Tolerated"; PolyPhen-2: "Benign"; Align-GVGD: "Class C0". The leucine amino acid residue is found in multiple mammalian species, which suggests that this missense change does not adversely affect protein function. This variant has not been reported in the literature in individuals affected with CACNA1F-related conditions. This variant is present in population databases (rs782529006, gnomAD 0.02%).

NM_001256789.3(CACNA1F):c.5267C>T (p.Pro1756Leu)

Gene: CACNA1F (calcium voltage-gated channel subunit alpha1 F; minus strand). Cytogenetic location: Xp11.23.
Variant type: single nucleotide variant.
Coding change: c.5267C>T on transcript NM_001256789.3 (MANE Select); coding-DNA position 5267, C replaced by T.
Protein change: p.Pro1756Leu; replaces proline 1756 with leucine.
Molecular consequence: missense variant.
Genome position (GRCh38, 1-based): chrX:49,206,820, G>A on the plus strand (C>T on the coding strand, the complement: CACNA1F is on the minus strand). VCF-style: chrX-49206820-G-A. GRCh37 (hg19) VCF-style: chrX-49063281-G-A.
Other names: c.5105C>T, p.Pro1702Leu (NM_001256790.3); c.5300C>T, p.Pro1767Leu (NM_005183.4); short protein forms P1702L, P1756L, P1767L.
Identifiers: ClinVar variation 2124315 (VCV002124315.4), dbSNP rs782529006, ClinGen allele CA10410013.